The following is an entry in ClinVar:

ClinVar aggregate classification (germline): Likely benign. Review status: criteria provided, multiple submitters, no conflicts (2 of 4 stars). 3 submissions from 3 submitters: Likely benign (2). 1 of the submissions does not count toward it. Last evaluated 2025-01-23.

Conditions:
CHARGE syndrome (CHARGE). Also called: Coloboma, heart anomaly, choanal atresia, retardation, genital and ear anomalies; CHARGE association; Hall-Hittner syndrome; Hittner Hirsch Kreh syndrome; CHARGE ASSOCIATION--COLOBOMA, HEART ANOMALY, CHOANAL ATRESIA, RETARDATION, GENITAL AND EAR ANOMALIES. Identifiers: Orphanet 138, MedGen C0265354, MONDO:0008965.
SEMA3E-related disorder. Also called: SEMA3E-related condition.

Allele frequency attached by ClinVar (database versions not stated): TOPMed below 0.00001.
gnomAD v4.1: 8 of 1,612,070 alleles (0.0005%); highest among the groups gnomAD compares: East Asian, 0.0067%; no homozygotes.

Submissions (3):

Labcorp Genetics (formerly Invitae), Labcorp
Classification: Likely benign for CHARGE syndrome. Last evaluated: 2025-01-23. Review status: criteria provided, single submitter. Criteria: Invitae Variant Classification Sherloc (09022015). Collection method: clinical testing. Allele origin: germline.

Blueprint Genetics
Classification: Likely benign. Last evaluated: 2024-06-18. Review status: criteria provided, single submitter. Criteria: ACMG Guidelines, 2015. Collection method: clinical testing. Allele origin: germline.

PreventionGenetics, part of Exact Sciences
Classification: Likely benign for SEMA3E-related condition. Last evaluated: 2023-06-16. Review status: no assertion criteria provided. Collection method: clinical testing. Allele origin: germline. Not counted in ClinVar's aggregate classification.
Comment: This variant is classified as likely benign based on ACMG/AMP sequence variant interpretation guidelines (Richards et al. 2015 PMID: 25741868, with internal and published modifications).

NM_012431.3(SEMA3E):c.1009C>A (p.Arg337=)

Gene: SEMA3E (semaphorin 3E; minus strand). Cytogenetic location: 7q21.11.
Variant type: single nucleotide variant.
Coding change: c.1009C>A on transcript NM_012431.3 (MANE Select); coding-DNA position 1009, C replaced by A.
Protein change: p.Arg337=; no amino-acid change (arginine 337 retained).
Molecular consequence: synonymous variant.
Genome position (GRCh38, 1-based): chr7:83,402,766, G>T on the plus strand (C>A on the coding strand, the complement: SEMA3E is on the minus strand). VCF-style: chr7-83402766-G-T. GRCh37 (hg19) VCF-style: chr7-83032082-G-T.
Other names: c.829C>A, p.Arg277= (NM_001178129.2); c.1009C>A (NM_012431.2).
Identifiers: ClinVar variation 1424764 (VCV001424764.11), dbSNP rs965528935, ClinGen allele CA161168399.